The following is an entry in ClinVar:

NM_013382.7(POMT2):c.1484+5G>A

Gene: POMT2 (protein O-mannosyltransferase 2; minus strand). Cytogenetic location: 14q24.3.
Variant type: single nucleotide variant.
Coding change: c.1484+5G>A on transcript NM_013382.7 (MANE Select); 5 bases into the intron after coding-DNA position 1484, G replaced by A.
Molecular consequence: intron variant.
Genome position (GRCh38, 1-based): chr14:77,285,476, C>T on the plus strand (G>A on the coding strand, the complement: POMT2 is on the minus strand). VCF-style: chr14-77285476-C-T. GRCh37 (hg19) VCF-style: chr14-77751819-C-T.
Identifiers: ClinVar variation 1974952 (VCV001974952.5), dbSNP rs2503196409, ClinGen allele CA2580088829.

ClinVar aggregate classification (germline): Uncertain significance (1 of 4 stars; one submission).

Conditions:
Muscular dystrophy-dystroglycanopathy (congenital with impaired intellectual development), type B, 2. Also called: MUSCULAR DYSTROPHY, CONGENITAL, POMT2-RELATED; Muscular dystrophy-dystroglycanopathy (congenital with intellectual disability), type B2. Identifiers: MedGen C3150416, MONDO:0013160, OMIM 613156.
Muscular dystrophy-dystroglycanopathy (congenital with brain and eye anomalies), type A2. Also called: MUSCULAR DYSTROPHY-DYSTROGLYCANOPATHY (CONGENITAL WITH BRAIN AND EYE ANOMALIES), TYPE A, 2; WALKER-WARBURG SYNDROME OR MUSCLE-EYE-BRAIN DISEASE, POMT2-RELATED. Identifiers: Orphanet 588, Orphanet 899, MedGen C3150411, MONDO:0013154, OMIM 613150.
Autosomal recessive limb-girdle muscular dystrophy type 2N. Also called: MUSCULAR DYSTROPHY-DYSTROGLYCANOPATHY, LIMB-GIRDLE, POMT2-RELATED; Muscular dystrophy-dystroglycanopathy (limb-girdle), type C, 2. Identifiers: Orphanet 206559, MedGen C3150418, MONDO:0013162, OMIM 613158.

Submission:

Labcorp Genetics (formerly Invitae), Labcorp
Classification: Uncertain significance for Muscular dystrophy-dystroglycanopathy (congenital with impaired intellectual development), type B, 2; Muscular dystrophy-dystroglycanopathy (congenital with brain and eye anomalies), type A2; Autosomal recessive limb-girdle muscular dystrophy type 2N. Last evaluated: 2022-11-22. Review status: criteria provided, single submitter. Criteria: Invitae Variant Classification Sherloc (09022015). Collection method: clinical testing. Allele origin: germline.
Comment: This sequence change falls in intron 13 of the POMT2 gene. It does not directly change the encoded amino acid sequence of the POMT2 protein. It affects a nucleotide within the consensus splice site. This variant is not present in population databases (gnomAD no frequency). This variant has not been reported in the literature in individuals affected with POMT2-related conditions. Variants that disrupt the consensus splice site are a relatively common cause of aberrant splicing (PMID: 17576681, 9536098). Algorithms developed to predict the effect of sequence changes on RNA splicing suggest that this variant may disrupt the consensus splice site. In summary, the available evidence is currently insufficient to determine the role of this variant in disease. Therefore, it has been classified as a Variant of Uncertain Significance.

Literature cited by the submitters: PubMed 17576681; PubMed 9536098.